The following is an entry in ClinVar:

ClinVar aggregate classification (germline): Pathogenic/Likely pathogenic. Review status: criteria provided, multiple submitters, no conflicts (2 of 4 stars). 5 submissions from 5 submitters: Pathogenic (2); Likely pathogenic (2). 1 of the submissions does not count toward it. Last evaluated 2026-01-13.

Conditions:
Joubert syndrome 17 (JBTS17). Identifiers: Orphanet 475, MedGen C3553264, MONDO:0013824, OMIM 614615.
Orofaciodigital syndrome type 6 (OFD6). Also called: OROFACIODIGITAL SYNDROME VI; OFDS VI; POLYDACTYLY, CLEFT LIP/PALATE OR LINGUAL LUMP, AND PSYCHOMOTOR RETARDATION; VARADI SYNDROME; VARADI-PAPP SYNDROME; Oral-facial-digital syndrome type 6. Identifiers: Orphanet 2754, MedGen C2745997, MONDO:0010176, OMIM 277170.
Joubert syndrome and related disorders. Identifiers: Orphanet 140874, MedGen C5679612, MONDO:0015369.
CPLANE1-related disorders.

Submissions (5):

Women's Health and Genetics/Laboratory Corporation of America, LabCorp
Classification: Pathogenic for Joubert syndrome and related disorders. Last evaluated: 2026-01-13. Review status: criteria provided, single submitter. Criteria: LabCorp Variant Classification Summary - May 2015. Collection method: clinical testing. Allele origin: germline.
Comment: Variant summary: CPLANE1 c.6354dupT (p.Ile2119TyrfsX2) results in a premature termination codon, predicted to cause a truncation of the encoded protein or absence of the protein due to nonsense mediated decay, which are commonly known mechanisms for disease. The variant was absent in 251382 control chromosomes. c.6354dupT has been observed in individual(s) affected with Joubert Syndrome And Related Disorders (example: Srour_2015). The following publication has been ascertained in the context of this evaluation (PMID: 26477546). ClinVar contains an entry for this variant (Variation ID: 1202647). Based on the evidence outlined above, the variant was classified as pathogenic.

Labcorp Genetics (formerly Invitae), Labcorp
Classification: Pathogenic. Last evaluated: 2024-02-22. Review status: criteria provided, single submitter. Criteria: Invitae Variant Classification Sherloc (09022015). Collection method: clinical testing. Allele origin: germline.
Comment: This sequence change creates a premature translational stop signal (p.Ile2119Tyrfs*2) in the CPLANE1 gene. It is expected to result in an absent or disrupted protein product. Loss-of-function variants in CPLANE1 are known to be pathogenic (PMID: 24178751, 26092869). This variant is not present in population databases (gnomAD no frequency). This premature translational stop signal has been observed in individual(s) with Joubert syndrome (PMID: 26477546). ClinVar contains an entry for this variant (Variation ID: 1202647). Algorithms developed to predict the effect of sequence changes on RNA splicing suggest that this variant may create or strengthen a splice site. For these reasons, this variant has been classified as Pathogenic.

Department of Pathology and Laboratory Medicine, Sinai Health System
Classification: Likely pathogenic for Orofaciodigital syndrome type 6; Joubert syndrome 17. Last evaluated: 2023-02-24. Review status: criteria provided, single submitter. Criteria: ACMG Guidelines, 2015. Collection method: research. Allele origin: germline.

Blueprint Genetics
Classification: Likely pathogenic for CPLANE1-related disorders. Last evaluated: 2023-01-02. Review status: criteria provided, single submitter. Criteria: ACMG Guidelines, 2015. Collection method: clinical testing. Allele origin: germline. Affected: yes. Observed: 4 variant alleles.

GeneReviews
No classification provided. Condition: Joubert syndrome 17. Review status: no classification provided. Collection method: literature only. Allele origin: germline. Not counted in ClinVar's aggregate classification.

Literature cited by the submitters: PubMed 26477546 (cited by Women's Health and Genetics/Laboratory Corporation of America, LabCorp and Labcorp Genetics (formerly Invitae), Labcorp); PubMed 24178751 (cited by Labcorp Genetics (formerly Invitae), Labcorp); PubMed 26092869 (cited by Labcorp Genetics (formerly Invitae), Labcorp); NCBI Bookshelf NBK1325 (cited by GeneReviews); PubMed 20301500 (cited by GeneReviews).

NM_001384732.1(CPLANE1):c.6354dup (p.Ile2119fs)

Gene: CPLANE1 (ciliogenesis and planar polarity effector complex subunit 1; minus strand). Cytogenetic location: 5p13.2.
Variant type: Duplication.
Coding change: c.6354dup on transcript NM_001384732.1 (MANE Select); coding-DNA position 6354, one base duplicated (T; older notation c.6354dupT).
Protein change: p.Ile2119fs; shifts the reading frame from isoleucine 2119.
Molecular consequence: frameshift variant.
Genome position (GRCh38, 1-based): chr5:37,170,149, A duplicated on the plus strand (T on the coding strand, the reverse complement: CPLANE1 is on the minus strand); the first of 6 consecutive A bases (chr5:37,170,149-37,170,154); duplicating any one gives the same sequence. VCF-style (leftmost placement, unchanged base first): chr5-37170148-T-TA. GRCh37 (hg19) VCF-style: chr5-37170250-T-TA.
Other names: c.6354dup, p.Ile2119fs (NM_023073.4); c.6354dupT (NM_023073.4); short protein forms I2119fs.
Identifiers: ClinVar variation 1202647 (VCV001202647.10), dbSNP rs1188561908, ClinGen allele CA810289714.